The following is an entry in ClinVar:

ClinVar aggregate classification (germline): Uncertain significance. Review status: criteria provided, multiple submitters, no conflicts (2 of 4 stars). 2 submissions from 2 submitters: Uncertain significance (2). Last evaluated 2025-11-12.

Conditions:
Hereditary cancer-predisposing syndrome. Also called: Hereditary neoplastic syndrome; Tumor predisposition; Hereditary Cancer Syndrome; Neoplastic Syndromes, Hereditary. Identifiers: Orphanet 140162, MedGen C0027672, MeSH D009386, MONDO:0015356.
Ataxia-telangiectasia syndrome (AT). Also called: Ataxia telangiectasia (A-T); LOUIS-BAR SYNDROME; Cerebello-oculocutaneous telangiectasia; Immunodeficiency with ataxia telangiectasia; AT, COMPLEMENTATION GROUP C; Ataxia-telangiectasia, complementation group D. Identifiers: Orphanet 100, MedGen C0004135, MONDO:0008840, OMIM 208900.

Submissions (2):

Labcorp Genetics (formerly Invitae), Labcorp
Classification: Uncertain significance for Ataxia-telangiectasia syndrome. Last evaluated: 2025-11-12. Review status: criteria provided, single submitter. Criteria: Invitae Variant Classification Sherloc (09022015). Collection method: clinical testing. Allele origin: germline.
Comment: This sequence change falls in intron 2 of the ATM gene. It does not directly change the encoded amino acid sequence of the ATM protein. It affects a nucleotide within the consensus splice site. This variant is not present in population databases (gnomAD no frequency). This variant has not been reported in the literature in individuals affected with ATM-related conditions. ClinVar contains an entry for this variant (Variation ID: 1424990). Variants that disrupt the consensus splice site are a relatively common cause of aberrant splicing (PMID: 17576681, 9536098). Algorithms developed to predict the effect of sequence changes on RNA splicing suggest that this variant may disrupt the consensus splice site. In summary, the available evidence is currently insufficient to determine the role of this variant in disease. Therefore, it has been classified as a Variant of Uncertain Significance.

Ambry Genetics
Classification: Uncertain significance for Hereditary cancer-predisposing syndrome. Last evaluated: 2021-05-05. Review status: criteria provided, single submitter. Criteria: Ambry Variant Classification Scheme 2023. Collection method: clinical testing. Allele origin: germline.
Comment: The c.72+3A>C intronic variant results from an A to C substitution 3 nucleotides after coding exon 1 in the ATM gene. This nucleotide position is not well conserved in available vertebrate species. In silico splice site analysis predicts that this alteration will weaken the native splice donor site. Since supporting evidence is limited at this time, the clinical significance of this alteration remains unclear.

Literature cited by the submitters: PubMed 17576681 (cited by Labcorp Genetics (formerly Invitae), Labcorp); PubMed 9536098 (cited by Labcorp Genetics (formerly Invitae), Labcorp).

NM_000051.4(ATM):c.72+3A>C

Gene: ATM (ATM serine/threonine kinase; plus strand). Cytogenetic location: 11q22.3.
Variant type: single nucleotide variant.
Coding change: c.72+3A>C on transcript NM_000051.4 (MANE Select); 3 bases into the intron after coding-DNA position 72, A replaced by C.
Molecular consequence: intron variant.
Genome position (GRCh38, 1-based): chr11:108,227,699, A>C. VCF-style: chr11-108227699-A-C. GRCh37 (hg19) VCF-style: chr11-108098426-A-C.
Other names: c.72+3A>C (NM_001351834.2, NM_001351835.2, NM_001351836.2).
Identifiers: ClinVar variation 1424990 (VCV001424990.8), dbSNP rs2135007098, ClinGen allele CA2573146403.
Genomic context (GRCh38, chr11:108,227,699, plus strand): 5'-TAATGATCTGCTTATCTGCTGCCGTCAACTAGAACATGATAGAGCTACAGAACGAAAGGT[A>C]GTAAATTACTTAAATTCAATTTTTCCTTGAAATAAGTGTGATTAGTAACCCATTATTATT-3'